The following is an entry in ClinVar:

NM_002113.3(CFHR1):c.608-979T>G

Gene: CFHR1 (complement factor H related 1; plus strand). Cytogenetic location: 1q31.3.
Variant type: single nucleotide variant.
Coding change: c.608-979T>G on transcript NM_002113.3 (MANE Select); 979 bases into the intron before coding-DNA position 608, T replaced by G.
Molecular consequence: intron variant.
Genome position (GRCh38, 1-based): chr1:196,829,521, T>G. VCF-style: chr1-196829521-T-G. GRCh37 (hg19) VCF-style: chr1-196798651-T-G.
Other names: c.446-979T>G (NM_001379307.1); c.443-979T>G (NM_001379308.1); c.440-979T>G (NM_001379309.1); c.413-979T>G (NM_001379310.1); c.365-979T>G (NM_001379312.1); c.404-979T>G (NM_001379311.1); c.557-979T>G (NM_001379306.1).
Identifiers: ClinVar variation 2639696 (VCV002639696.24), dbSNP rs188416616, ClinGen allele CA35826320.

ClinVar aggregate classification (germline): Likely benign (1 of 4 stars; one submission).

Allele frequency attached by ClinVar (database versions not stated): 1000 Genomes Project 0.00040; 1000 Genomes Project 30x 0.00062; gnomAD 0.00383.
gnomAD v4.1: 513 of 134,958 alleles (0.38%); highest among the groups gnomAD compares: Non-Finnish European, 0.63%; 90 homozygotes.

Submission:

CeGaT Center for Human Genetics Tuebingen
Classification: Likely benign. Last evaluated: 2022-11-01. Review status: criteria provided, single submitter. Criteria: CeGaT Center For Human Genetics Tuebingen Variant Classification Criteria Version 2. Collection method: clinical testing. Allele origin: germline. Affected: yes. Observed: 1 variant allele.
Comment: CFHR1: BS2